The following is an entry in ClinVar:

ClinVar aggregate classification (germline): Uncertain significance. Review status: criteria provided, multiple submitters, no conflicts (2 of 4 stars). 2 submissions from 2 submitters: Uncertain significance (2). Last evaluated 2025-11-06.

Conditions:
Hereditary cancer-predisposing syndrome. Also called: Tumor predisposition; Hereditary Cancer Syndrome; Hereditary neoplastic syndrome; Neoplastic Syndromes, Hereditary. Identifiers: Orphanet 140162, MedGen C0027672, MeSH D009386, MONDO:0015356.

Submissions (2):

Ambry Genetics
Classification: Uncertain significance for Hereditary cancer-predisposing syndrome. Last evaluated: 2025-11-06. Review status: criteria provided, single submitter. Criteria: Ambry Variant Classification Scheme 2023. Collection method: clinical testing. Allele origin: germline.
Comment: The p.Q2283* variant (also known as c.6847C>T), located in coding exon 49 of the POLE gene, results from a C to T substitution at nucleotide position 6847. This changes the amino acid from a glutamine to a stop codon within coding exon 49. This alteration occurs at the 3' terminus of the gene, is not expected to trigger nonsense-mediated mRNAdecay, and impacts the last 4 amino acids of the protein. The exact functional effect of this alteration is unknown. Based on the available evidence, the clinical significance of this variant remains unclear.

Labcorp Genetics (formerly Invitae), Labcorp
Classification: Uncertain significance. Last evaluated: 2025-06-22. Review status: criteria provided, single submitter. Criteria: Invitae Variant Classification Sherloc (09022015). Collection method: clinical testing. Allele origin: germline.
Comment: This sequence change creates a premature translational stop signal (p.Gln2283*) in the POLE gene. While this is not anticipated to result in nonsense mediated decay, it is expected to disrupt the last 4 amino acid(s) of the POLE protein. This variant is not present in population databases (gnomAD no frequency). This variant has not been reported in the literature in individuals affected with POLE-related conditions. ClinVar contains an entry for this variant (Variation ID: 486092). Experimental studies and prediction algorithms are not available or were not evaluated, and the functional significance of this variant is currently unknown. In summary, the available evidence is currently insufficient to determine the role of this variant in disease. Therefore, it has been classified as a Variant of Uncertain Significance.

NM_006231.4(POLE):c.6847C>T (p.Gln2283Ter)

Gene: POLE (DNA polymerase epsilon, catalytic subunit; minus strand). Cytogenetic location: 12q24.33.
Variant type: single nucleotide variant.
Coding change: c.6847C>T on transcript NM_006231.4 (MANE Select); coding-DNA position 6847, C replaced by T.
Protein change: p.Gln2283Ter; replaces glutamine 2283 with a stop codon.
Molecular consequence: nonsense.
Genome position (GRCh38, 1-based): chr12:132,624,711, G>A on the plus strand (C>T on the coding strand, the complement: POLE is on the minus strand). VCF-style: chr12-132624711-G-A. GRCh37 (hg19) VCF-style: chr12-133201297-G-A.
Other names: short protein forms Q2283*.
Identifiers: ClinVar variation 486092 (VCV000486092.12), dbSNP rs1267521228, ClinGen allele CA387365582.
Genomic context (GRCh38, chr12:132,624,711, plus strand): 5'-CAGGAGGCCTGGCACGGACGCAGAGGCACCCGGGGCCCGGGGCTGGCTAATGGCCCAGCT[G>A]TGGGTTCTTCTGCAGCAGCCACTCCAGGGTCTCCAGGAGGTACGACATGCCGTAGTGCTG-3'